The following is an entry in ClinVar:

ClinVar aggregate classification (germline): Likely benign (1 of 4 stars; one submission).

gnomAD v4.1: 4 of 1,550,090 alleles (0.00026%); highest among the groups gnomAD compares: African/African-American, 0.0014%; no homozygotes.

Submission:

CeGaT Center for Human Genetics Tuebingen
Classification: Likely benign. Last evaluated: 2026-09-01. Review status: criteria provided, single submitter. Criteria: CeGaT Center For Human Genetics Tuebingen Variant Classification Criteria Version 2. Collection method: clinical testing. Allele origin: germline. Affected: yes. Observed: 1 variant allele.
Comment: ZNF469: BP4, BP7

NM_001367624.2(ZNF469):c.8427G>C (p.Pro2809=)

Gene: ZNF469 (zinc finger protein 469; plus strand). Cytogenetic location: 16q24.2.
Variant type: single nucleotide variant.
Coding change: c.8427G>C on transcript NM_001367624.2 (MANE Select); coding-DNA position 8427, G replaced by C.
Protein change: p.Pro2809=; no amino-acid change (proline 2809 retained).
Molecular consequence: synonymous variant.
Genome position (GRCh38, 1-based): chr16:88,435,897, G>C. VCF-style: chr16-88435897-G-C. GRCh37 (hg19) VCF-style: chr16-88502305-G-C.
Identifiers: ClinVar variation 5041377 (VCV005041377.1).